The following is an entry in ClinVar:

ClinVar aggregate classification (germline): Uncertain significance (1 of 4 stars; one submission).

Submission:

GeneDx
Classification: Uncertain significance. Last evaluated: 2022-06-09. Review status: criteria provided, single submitter. Criteria: GeneDx Variant Classification Process June 2021. Collection method: clinical testing. Allele origin: germline. Affected: yes.
Comment: Not observed at significant frequency in large population cohorts (gnomAD); In silico analysis supports that this missense variant does not alter protein structure/function; Has not been previously published as pathogenic or benign to our knowledge

NM_003238.6(TGFB2):c.286G>A (p.Glu96Lys)

Gene: TGFB2 (transforming growth factor beta 2; plus strand). Cytogenetic location: 1q41.
Variant type: single nucleotide variant.
Coding change: c.286G>A on transcript NM_003238.6 (MANE Select); coding-DNA position 286, G replaced by A.
Protein change: p.Glu96Lys; replaces glutamic acid 96 with lysine.
Molecular consequence: missense variant. On other transcripts: non-coding transcript variant (2).
Genome position (GRCh38, 1-based): chr1:218,346,987, G>A. VCF-style: chr1-218346987-G-A. GRCh37 (hg19) VCF-style: chr1-218520329-G-A.
Other names: c.286G>A, p.Glu96Lys (NM_001135599.4); short protein forms E96K.
Identifiers: ClinVar variation 1803470 (VCV001803470.1), dbSNP rs1571821144, ClinGen allele CA344725694.